The following is an entry in ClinVar:

NM_000017.4(ACADS):c.933+3A>T

Gene: ACADS (acyl-CoA dehydrogenase short chain; plus strand). Cytogenetic location: 12q24.31.
Variant type: single nucleotide variant.
Coding change: c.933+3A>T on transcript NM_000017.4 (MANE Select); 3 bases into the intron after coding-DNA position 933, A replaced by T.
Molecular consequence: intron variant.
Genome position (GRCh38, 1-based): chr12:120,738,673, A>T. VCF-style: chr12-120738673-A-T. GRCh37 (hg19) VCF-style: chr12-121176476-A-T.
Other names: c.921+3A>T (NM_001302554.2).
Identifiers: ClinVar variation 4718494 (VCV004718494.1).

ClinVar aggregate classification (germline): Uncertain significance (1 of 4 stars; one submission).

Conditions:
Deficiency of butyryl-CoA dehydrogenase (ACADSD). Also called: SCAD DEFICIENCY, MILD; ACADS DEFICIENCY; Short-Chain Acyl-CoA Dehydrogenase Deficiency; ACYL-CoA DEHYDROGENASE, SHORT-CHAIN, DEFICIENCY OF; SCADH DEFICIENCY; SCAD Deficiency. Identifiers: Orphanet 26792, MedGen C0342783, MONDO:0008722, OMIM 201470. Disease mechanism: May be benign.

Submission:

Labcorp Genetics (formerly Invitae), Labcorp
Classification: Uncertain significance for Deficiency of butyryl-CoA dehydrogenase. Last evaluated: 2025-04-27. Review status: criteria provided, single submitter. Criteria: Invitae Variant Classification Sherloc (09022015). Collection method: clinical testing. Allele origin: germline.
Comment: This sequence change falls in intron 7 of the ACADS gene. It does not directly change the encoded amino acid sequence of the ACADS protein. It affects a nucleotide within the consensus splice site. This variant is not present in population databases (gnomAD no frequency). This variant has not been reported in the literature in individuals affected with ACADS-related conditions. Variants that disrupt the consensus splice site are a relatively common cause of aberrant splicing (PMID: 17576681, 9536098). Algorithms developed to predict the effect of sequence changes on RNA splicing suggest that this variant may disrupt the consensus splice site. In summary, the available evidence is currently insufficient to determine the role of this variant in disease. Therefore, it has been classified as a Variant of Uncertain Significance.

Literature cited by the submitters: PubMed 17576681; PubMed 9536098.